The following is an entry in ClinVar:

NM_006009.4(TUBA1A):c.175G>A (p.Gly59Ser)

Gene: TUBA1A (tubulin alpha 1a; minus strand). Cytogenetic location: 12q13.12.
Variant type: single nucleotide variant.
Coding change: c.175G>A on transcript NM_006009.4 (MANE Select); coding-DNA position 175, G replaced by A.
Protein change: p.Gly59Ser; replaces glycine 59 with serine.
Molecular consequence: missense variant.
Genome position (GRCh38, 1-based): chr12:49,186,662, C>T on the plus strand (G>A on the coding strand, the complement: TUBA1A is on the minus strand). VCF-style: chr12-49186662-C-T. GRCh37 (hg19) VCF-style: chr12-49580445-C-T.
Other names: c.175G>A, p.Gly59Ser (NM_001270399.2); c.70G>A, p.Gly24Ser (NM_001270400.2); short protein forms G59S, G24S.
Identifiers: ClinVar variation 625507 (VCV000625507.2), dbSNP rs1565627712, ClinGen allele CA384644924.

ClinVar aggregate classification (germline): Pathogenic (1 of 4 stars; one submission).

Conditions:
Tubulinopathy. Also called: Tubulinopathies. Identifiers: MedGen CN850169, MONDO:0100153.

Submission:

Institute of Human Genetics, FAU Erlangen, Friedrich-Alexander-Universität Erlangen-Nürnberg
Classification: Pathogenic for Tubulinopathies. Last evaluated: 2018-07-01. Review status: criteria provided, single submitter. Criteria: ACMG Guidelines, 2015. Collection method: literature only. Allele origin: de novo. Affected: yes. Observed: 1 variant allele.
Comment: The c.175G>A, p.(Gly59Ser) variant has been reported as a variant of de novo origin. This variant and associated phenotype was previously reported by Romaniello et al. Eur Radiol, 2017 PMID: 28677066. HPO-standardized clinical features were: Hypoplasia of the corpus callosum (HP:0002079); no Abnormality of brainstem morphology (-HP:0002363); Dilated fourth ventricle (HP:0002198); no Congenital microcephaly (-HP:0011451); Other neurological symptoms (NA)

Literature cited by the submitters: PubMed 30744660; DOI 10.1101/427948.